The following is an entry in ClinVar:

NM_152263.4(TPM3):c.413A>G (p.Asp138Gly)

Gene: TPM3 (tropomyosin 3; minus strand). Cytogenetic location: 1q21.3.
Variant type: single nucleotide variant.
Coding change: c.413A>G on transcript NM_152263.4 (MANE Select); coding-DNA position 413, A replaced by G.
Protein change: p.Asp138Gly; replaces aspartic acid 138 with glycine.
Molecular consequence: missense variant. On other transcripts: non-coding transcript variant (1).
Genome position (GRCh38, 1-based): chr1:154,173,166, T>C on the plus strand (A>G on the coding strand, the complement: TPM3 is on the minus strand). VCF-style: chr1-154173166-T-C. GRCh37 (hg19) VCF-style: chr1-154145642-T-C.
Other names: c.302A>G, p.Asp101Gly (NM_001043351.2, NM_001043352.2, NM_001043353.2 and 5 more transcripts); c.104A>G, p.Asp35Gly (NM_001278188.2); c.32A>G, p.Asp11Gly (NM_001278191.2); c.413A>G, p.Asp138Gly (NM_001364679.2, NM_001364680.2, NM_001364681.2 and 1 more transcripts); short protein forms D101G, D11G, D138G, D35G.
Identifiers: ClinVar variation 3751477 (VCV003751477.2).

ClinVar aggregate classification (germline): Uncertain significance (1 of 4 stars; one submission).

Conditions:
Congenital myopathy 4B, autosomal recessive. Also called: Nemaline myopathy 1, autosomal dominant or recessive. Identifiers: Orphanet 171433, Orphanet 171439, Orphanet 171881, MedGen C5829889, MONDO:0012239, OMIM 609284.
Congenital myopathy with fiber type disproportion. Also called: Congenital fiber-type disproportion; Congenital fiber-type disproportion myopathy. Identifiers: Orphanet 2020, MedGen C0546264, MONDO:0009711. Inheritance: all.

gnomAD v4.1: 2 of 1,614,120 alleles (0.00012%); highest among the groups gnomAD compares: East Asian, 0.0045%; no homozygotes.

Submission:

Labcorp Genetics (formerly Invitae), Labcorp
Classification: Uncertain significance for Congenital myopathy with fiber type disproportion; Congenital myopathy 4B, autosomal recessive. Last evaluated: 2024-08-13. Review status: criteria provided, single submitter. Criteria: Invitae Variant Classification Sherloc (09022015). Collection method: clinical testing. Allele origin: germline.
Comment: This sequence change replaces aspartic acid, which is acidic and polar, with glycine, which is neutral and non-polar, at codon 138 of the TPM3 protein (p.Asp138Gly). This variant is present in population databases (rs747786849, gnomAD 0.01%). This variant has not been reported in the literature in individuals affected with TPM3-related conditions. Invitae Evidence Modeling of protein sequence and biophysical properties (such as structural, functional, and spatial information, amino acid conservation, physicochemical variation, residue mobility, and thermodynamic stability) has been performed for this missense variant. However, the output from this modeling did not meet the statistical confidence thresholds required to predict the impact of this variant on TPM3 protein function. In summary, the available evidence is currently insufficient to determine the role of this variant in disease. Therefore, it has been classified as a Variant of Uncertain Significance.